The following is an entry in ClinVar:

NM_000722.4(CACNA2D1):c.1516-10del

Gene: CACNA2D1 (calcium voltage-gated channel auxiliary subunit alpha2delta 1; minus strand). Cytogenetic location: 7q21.11.
Variant type: Deletion.
Coding change: c.1516-10del on transcript NM_000722.4 (MANE Select); 10 bases into the intron before coding-DNA position 1516, one base deleted (T; older notation c.1516-10delT).
Molecular consequence: intron variant.
Genome position (GRCh38, 1-based): chr7:82,005,507, A deleted on the plus strand (T on the coding strand, the reverse complement: CACNA2D1 is on the minus strand); the first of 14 consecutive A bases (chr7:82,005,507-82,005,520); deleting any one gives the same sequence. VCF-style (leftmost placement, unchanged base first): chr7-82005506-GA-G. GRCh37 (hg19) VCF-style: chr7-81634822-GA-G.
Other names: p.?; c.1516-10del (NM_000722.2, NM_001366867.1, LRG_437t1); c.1516-10delT (NM_000722.2).
Identifiers: ClinVar variation 416574 (VCV000416574.8), dbSNP rs576139922, ClinGen allele CA4318006.

ClinVar aggregate classification (germline): Benign. Review status: criteria provided, multiple submitters, no conflicts (2 of 4 stars). 4 submissions from 4 submitters: Benign (4). Last evaluated 2024-08-21.

Submissions (4):

Mayo Clinic Laboratories, Mayo Clinic
Classification: Benign. Last evaluated: 2024-08-21. Review status: criteria provided, single submitter. Criteria: ACMG Guidelines, 2015. Collection method: clinical testing. Allele origin: germline. Observed: 327 variant alleles.
Comment: BA1, BS2

Athena Diagnostics
Classification: Benign. Last evaluated: 2023-11-08. Review status: criteria provided, single submitter. Criteria: Athena Diagnostics Criteria. Collection method: clinical testing. Allele origin: unknown.

GeneDx
Classification: Benign. Last evaluated: 2018-06-12. Review status: criteria provided, single submitter. Criteria: GeneDx Variant Classification Process June 2021. Collection method: clinical testing. Allele origin: germline. Affected: yes.

Labcorp Genetics (formerly Invitae), Labcorp
Classification: Benign. Last evaluated: 2016-12-28. Review status: criteria provided, single submitter. Criteria: Invitae Variant Classification Sherloc (09022015). Collection method: clinical testing. Allele origin: germline.